The following is an entry in ClinVar:

NM_001166114.2(PNPLA6):c.315+13C>T

Gene: PNPLA6 (patatin like domain 6, lysophospholipase; plus strand). Cytogenetic location: 19p13.2.
Variant type: single nucleotide variant.
Coding change: c.315+13C>T on transcript NM_001166114.2 (MANE Select); 13 bases into the intron after coding-DNA position 315, C replaced by T.
Molecular consequence: intron variant.
Genome position (GRCh38, 1-based): chr19:7,536,286, C>T. VCF-style: chr19-7536286-C-T. GRCh37 (hg19) VCF-style: chr19-7601172-C-T.
Other names: c.198+13C>T (NM_006702.5, NM_001166112.2, NM_001166113.1); c.342+13C>T (NM_001166111.2).
Identifiers: ClinVar variation 330513 (VCV000330513.17), dbSNP rs200676307, ClinGen allele CA9139408.

ClinVar aggregate classification (germline): Conflicting classifications of pathogenicity. Review status: criteria provided, conflicting classifications (1 of 4 stars). 4 submissions from 4 submitters: Uncertain significance (1); Benign (1); Likely benign (2). Last evaluated 2026-01-27.

Conditions:
Hereditary spastic paraplegia 39 (SPG39). Also called: SPASTIC PARAPLEGIA 39, AUTOSOMAL RECESSIVE; Spastic Paraplegia Type 39 (SPG39). Identifiers: Orphanet 139480, MedGen C2677586, MONDO:0012787, OMIM 612020.

Allele frequency attached by ClinVar (database versions not stated): ExAC 0.00088; gnomAD exomes 0.00094; TOPMed 0.00111; ESP Exome Variant Server 0.00138; 1000 Genomes Project 30x 0.00016; 1000 Genomes Project 0.00020.
gnomAD v4.1: 2,010 of 1,600,444 alleles (0.13%); highest among the groups gnomAD compares: Admixed American, 0.17%; 5 homozygotes.

Submissions (4):

Labcorp Genetics (formerly Invitae), Labcorp
Classification: Benign for Hereditary spastic paraplegia 39. Last evaluated: 2026-01-27. Review status: criteria provided, single submitter. Criteria: Invitae Variant Classification Sherloc (09022015). Collection method: clinical testing. Allele origin: germline.

Blueprint Genetics
Classification: Likely benign. Last evaluated: 2024-11-11. Review status: criteria provided, single submitter. Criteria: ACMG Guidelines, 2015. Collection method: clinical testing. Allele origin: germline.

Illumina Laboratory Services, Illumina
Classification: Uncertain significance for Hereditary spastic paraplegia 39. Last evaluated: 2018-01-13. Review status: criteria provided, single submitter. Criteria: ICSL Variant Classification Criteria 13 December 2019. Collection method: clinical testing. Allele origin: germline.

GeneDx
Classification: Likely benign. Last evaluated: 2016-06-30. Review status: criteria provided, single submitter. Criteria: GeneDx Variant Classification (06012015). Collection method: clinical testing. Allele origin: germline. Affected: yes.
Comment: This variant is considered likely benign or benign based on one or more of the following criteria: it is a conservative change, it occurs at a poorly conserved position in the protein, it is predicted to be benign by multiple in silico algorithms, and/or has population frequency not consistent with disease.